The following is an entry in ClinVar:

ClinVar aggregate classification (germline): Uncertain significance (1 of 4 stars; one submission).

Conditions:
Actin accumulation myopathy (CMYO2A). Also called: CONGENITAL MYOPATHY 2A, TYPICAL, AUTOSOMAL DOMINANT; Myopathy, actin, congenital, with cores; Nemaline myopathy 3, with intranuclear rods; Nemaline myopathy type 3; Myopathy, actin, congenital, with excess of thin myofilaments. Identifiers: Orphanet 98904, MedGen C3711389, MONDO:0008070, OMIM 161800.

Submission:

Labcorp Genetics (formerly Invitae), Labcorp
Classification: Uncertain significance for Actin accumulation myopathy. Last evaluated: 2025-12-08. Review status: criteria provided, single submitter. Criteria: Invitae Variant Classification Sherloc (09022015). Collection method: clinical testing. Allele origin: germline.
Comment: This sequence change falls in intron 4 of the ACTA1 gene. It does not directly change the encoded amino acid sequence of the ACTA1 protein. It affects a nucleotide within the consensus splice site. This variant is present in population databases (rs371799971, gnomAD 0.02%). This variant has not been reported in the literature in individuals affected with ACTA1-related conditions. ClinVar contains an entry for this variant (Variation ID: 1515742). Variants that disrupt the consensus splice site are a relatively common cause of aberrant splicing (PMID: 17576681, 9536098). Algorithms developed to predict the effect of sequence changes on RNA splicing suggest that this variant is not likely to affect RNA splicing. In summary, the available evidence is currently insufficient to determine the role of this variant in disease. Therefore, it has been classified as a Variant of Uncertain Significance.

Literature cited by the submitters: PubMed 17576681; PubMed 9536098.

NM_001100.4(ACTA1):c.616+4C>T

Gene: ACTA1 (actin alpha 1, skeletal muscle; minus strand). Cytogenetic location: 1q42.13.
Variant type: single nucleotide variant.
Coding change: c.616+4C>T on transcript NM_001100.4 (MANE Select); 4 bases into the intron after coding-DNA position 616, C replaced by T.
Molecular consequence: intron variant.
Genome position (GRCh38, 1-based): chr1:229,432,266, G>A on the plus strand (C>T on the coding strand, the complement: ACTA1 is on the minus strand). VCF-style: chr1-229432266-G-A. GRCh37 (hg19) VCF-style: chr1-229568013-G-A.
Identifiers: ClinVar variation 1515742 (VCV001515742.7), dbSNP rs371799971, ClinGen allele CA1442839.